The following is an entry in ClinVar:

ClinVar aggregate classification (germline): Likely benign (1 of 4 stars; one submission).

Allele frequency attached by ClinVar (database versions not stated): gnomAD 0.00084; 1000 Genomes Project 30x 0.00156; 1000 Genomes Project 0.00160; ExAC 0.00167; ESP Exome Variant Server 0.00073; TOPMed 0.00076.
gnomAD v4.1: 1,839 of 1,614,142 alleles (0.11%); highest among the groups gnomAD compares: South Asian, 0.63%; 2 homozygotes.

Submission:

CeGaT Center for Human Genetics Tuebingen
Classification: Likely benign. Last evaluated: 2026-06-01. Review status: criteria provided, single submitter. Criteria: CeGaT Center For Human Genetics Tuebingen Variant Classification Criteria Version 2. Collection method: clinical testing. Allele origin: germline. Affected: yes. Observed: 4 variant alleles.
Comment: DLEC1: BP4

NM_007335.4(DLEC1):c.1757-6T>G

Gene: DLEC1 (DLEC1 cilia and flagella associated protein; plus strand). Cytogenetic location: 3p22.2.
Variant type: single nucleotide variant.
Coding change: c.1757-6T>G on transcript NM_007335.4 (MANE Select); 6 bases into the intron before coding-DNA position 1757, T replaced by G.
Molecular consequence: intron variant.
Genome position (GRCh38, 1-based): chr3:38,093,599, T>G. VCF-style: chr3-38093599-T-G. GRCh37 (hg19) VCF-style: chr3-38135090-T-G.
Other names: c.1757-6T>G (NM_007337.4, NM_001321153.2).
Identifiers: ClinVar variation 2653664 (VCV002653664.24), dbSNP rs184051074, ClinGen allele CA2314143.